The following is an entry in ClinVar:

NM_177965.4(CFAP418):c.284C>A (p.Ala95Asp)

Gene: CFAP418 (cilia and flagella associated protein 418; minus strand). Cytogenetic location: 8q22.1.
Variant type: single nucleotide variant.
Coding change: c.284C>A on transcript NM_177965.4 (MANE Select); coding-DNA position 284, C replaced by A.
Protein change: p.Ala95Asp; replaces alanine 95 with aspartic acid.
Molecular consequence: missense variant.
Genome position (GRCh38, 1-based): chr8:95,260,492, G>T on the plus strand (C>A on the coding strand, the complement: CFAP418 is on the minus strand). VCF-style: chr8-95260492-G-T. GRCh37 (hg19) VCF-style: chr8-96272720-G-T.
Other names: c.284C>A, p.Ala95Asp (NM_001363260.1); c.284C>A (NM_177965.3); short protein forms A95D.
Identifiers: ClinVar variation 1979016 (VCV001979016.3), dbSNP rs774891217, ClinGen allele CA182089339.
Genomic context (GRCh38, chr8:95,260,492, plus strand): 5'-TAGTGTGTATAATTCACCAAAGCAATCTCAACTTACCTTTTACCAAGGCCTTCAATGGAA[G>T]CTCTGACAGATGTGTTACCTGAAGATTTAGATTTTAATTTCTGTTAAAAAAGCAAAACAA-3'
Protein context (NP_808880.1, residues 85-105): SKSSGNTSVR[Ala95Asp]SIEGLGKSCS

ClinVar aggregate classification (germline): Uncertain significance. Review status: criteria provided, single submitter (1 of 4 stars). 2 submissions from 2 submitters: Uncertain significance (1). 1 of the submissions does not count toward it. Last evaluated 2022-05-16.

Conditions:
CFAP418-related disorder. Also called: CFAP418-related condition.

Allele frequency attached by ClinVar (database versions not stated): gnomAD 0.00001; TOPMed 0.00001; gnomAD exomes 0.00002.
gnomAD v4.1: 29 of 1,590,162 alleles (0.0018%); highest among the groups gnomAD compares: Admixed American, 0.0056%; no homozygotes.

Submissions (2):

Labcorp Genetics (formerly Invitae), Labcorp
Classification: Uncertain significance. Last evaluated: 2022-05-16. Review status: criteria provided, single submitter. Criteria: Invitae Variant Classification Sherloc (09022015). Collection method: clinical testing. Allele origin: germline.
Comment: This sequence change replaces alanine, which is neutral and non-polar, with aspartic acid, which is acidic and polar, at codon 95 of the C8orf37 protein (p.Ala95Asp). This variant is present in population databases (rs774891217, gnomAD 0.004%). This variant has not been reported in the literature in individuals affected with C8orf37-related conditions. Algorithms developed to predict the effect of missense changes on protein structure and function are either unavailable or do not agree on the potential impact of this missense change (SIFT: "Deleterious"; PolyPhen-2: "Benign"; Align-GVGD: "Class C0"). In summary, the available evidence is currently insufficient to determine the role of this variant in disease. Therefore, it has been classified as a Variant of Uncertain Significance.

PreventionGenetics, part of Exact Sciences
Classification: Uncertain significance for CFAP418-related condition. Last evaluated: 2024-05-28. Review status: no assertion criteria provided. Collection method: clinical testing. Allele origin: germline. Not counted in ClinVar's aggregate classification.
Comment: The CFAP418 c.284C>A variant is predicted to result in the amino acid substitution p.Ala95Asp. To our knowledge, this variant has not been reported in the literature. This variant is reported in 0.0036% of alleles in individuals of Latino descent in gnomAD. At this time, the clinical significance of this variant is uncertain due to the absence of conclusive functional and genetic evidence.